The following is an entry in ClinVar:

ClinVar aggregate classification (germline): Conflicting classifications of pathogenicity. Review status: criteria provided, conflicting classifications (1 of 4 stars). 5 submissions from 5 submitters: Likely pathogenic (1); Uncertain significance (3); Likely benign (1). Last evaluated 2026-01-20.

Conditions:
Hereditary cancer-predisposing syndrome. Also called: Hereditary Cancer Syndrome; Hereditary neoplastic syndrome; Neoplastic Syndromes, Hereditary; Tumor predisposition. Identifiers: Orphanet 140162, MedGen C0027672, MeSH D009386, MONDO:0015356.
Ovarian cancer. Also called: OVARIAN CANCER, SOMATIC. Identifiers: Orphanet 213500, MedGen C1140680, MONDO:0008170, OMIM 167000.
Nijmegen breakage syndrome-like disorder (NBSLD). Also called: MICROCEPHALY AND SPONTANEOUS CHROMOSOME INSTABILITY WITHOUT IMMUNODEFICIENCY; NBS-LIKE DISORDER; RAD50 DEFICIENCY. Identifiers: Orphanet 240760, MedGen C2751318, MONDO:0013118, OMIM 613078.

Allele frequency attached by ClinVar (database versions not stated): gnomAD 0.00001 and 0.00003; ExAC 0.00004; gnomAD exomes 0.00006; TOPMed 0.00006; 1000 Genomes Project 0.00020; 1000 Genomes Project 30x 0.00031.
gnomAD v4.1: 21 of 1,611,246 alleles (0.0013%); highest among the groups gnomAD compares: East Asian, 0.045%; no homozygotes.

Submissions (5):

Labcorp Genetics (formerly Invitae), Labcorp
Classification: Uncertain significance for Hereditary cancer-predisposing syndrome. Last evaluated: 2026-01-20. Review status: criteria provided, single submitter. Criteria: Invitae Variant Classification Sherloc (09022015). Collection method: clinical testing. Allele origin: germline.
Comment: This sequence change replaces lysine, which is basic and polar, with arginine, which is basic and polar, at codon 108 of the RAD50 protein (p.Lys108Arg). This variant is present in population databases (rs542347773, gnomAD 0.07%). This variant has not been reported in the literature in individuals affected with RAD50-related conditions. ClinVar contains an entry for this variant (Variation ID: 216628). Invitae Evidence Modeling of protein sequence and biophysical properties (such as structural, functional, and spatial information, amino acid conservation, physicochemical variation, residue mobility, and thermodynamic stability) indicates that this missense variant is not expected to disrupt RAD50 protein function with a negative predictive value of 80%. In summary, the available evidence is currently insufficient to determine the role of this variant in disease. Therefore, it has been classified as a Variant of Uncertain Significance.

Women's Health and Genetics/Laboratory Corporation of America, LabCorp
Classification: Uncertain significance. Last evaluated: 2025-04-07. Review status: criteria provided, single submitter. Criteria: LabCorp Variant Classification Summary - May 2015. Collection method: clinical testing. Allele origin: germline.
Comment: Variant summary: RAD50 c.323A>G (p.Lys108Arg) results in a conservative amino acid change located in the Rad50/SbcC-type AAA domain of the encoded protein sequence. Three of five in-silico tools predict a benign effect of the variant on protein function. The variant allele was found at a frequency of 5.6e-05 in 251212 control chromosomes, predominantly at a frequency of 0.00076 within the East Asian subpopulation in the gnomAD database. This frequency is not significantly higher than estimated for a pathogenic variant in RAD50 causing Nijmegen Breakage Syndrome-Like Disorder (5.6e-05 vs 0.0024), allowing no conclusion about variant significance. To our knowledge, c.323A>G has not been reported in the literature in individuals affected with Nijmegen Breakage Syndrome-Like Disorder and no experimental evidence demonstrating an impact on protein function has been reported. The following publications have been ascertained in the context of this evaluation (PMID: 34570441, 28961279, 30982232, 36612101, 27248819, 35186721). ClinVar contains an entry for this variant (Variation ID: 216628). Based on the evidence outlined above, the variant was classified as uncertain significance.

Ambry Genetics
Classification: Likely benign for Hereditary cancer-predisposing syndrome. Last evaluated: 2024-04-25. Review status: criteria provided, single submitter. Criteria: Ambry Variant Classification Scheme 2023. Collection method: clinical testing. Allele origin: germline.

Fulgent Genetics
Classification: Uncertain significance for Nijmegen breakage syndrome-like disorder. Last evaluated: 2024-02-21. Review status: criteria provided, single submitter. Criteria: ACMG Guidelines, 2015. Collection method: clinical testing. Allele origin: germline.

Laboratory of Molecular Epidemiology of Birth Defects, West China Second University Hospital, Sichuan University
Classification: Likely pathogenic for Ovarian cancer. Last evaluated: 2022-01-01. Review status: criteria provided, single submitter. Criteria: ACMG Guidelines, 2015. Collection method: clinical testing. Allele origin: germline. Affected: yes.

Literature cited by the submitters: PubMed 28961279 (cited by Women's Health and Genetics/Laboratory Corporation of America, LabCorp and Ambry Genetics); PubMed 30982232 (cited by Women's Health and Genetics/Laboratory Corporation of America, LabCorp); PubMed 34570441 (cited by Women's Health and Genetics/Laboratory Corporation of America, LabCorp); PubMed 38509102 (cited by Ambry Genetics).

NM_005732.4(RAD50):c.323A>G (p.Lys108Arg)

Gene: RAD50 (RAD50 double strand break repair protein; plus strand). Cytogenetic location: 5q31.1.
Variant type: single nucleotide variant.
Coding change: c.323A>G on transcript NM_005732.4 (MANE Select); coding-DNA position 323, A replaced by G.
Protein change: p.Lys108Arg; replaces lysine 108 with arginine.
Molecular consequence: missense variant.
Genome position (GRCh38, 1-based): chr5:132,575,886, A>G. VCF-style: chr5-132575886-A-G. GRCh37 (hg19) VCF-style: chr5-131911578-A-G.
Other names: short protein forms K108R.
Identifiers: ClinVar variation 216628 (VCV000216628.21), dbSNP rs542347773, ClinGen allele CA338234.